The following is an entry in ClinVar:

ClinVar aggregate classification (germline): Uncertain significance (1 of 4 stars; one submission).

Conditions:
Combined oxidative phosphorylation defect type 17. Also called: Combined oxidative phosphorylation deficiency 17. Identifiers: Orphanet 369913, MedGen C3809526, MONDO:0014190, OMIM 615440.

Allele frequency attached by ClinVar (database versions not stated): TOPMed 0.00001.

Submission:

Labcorp Genetics (formerly Invitae), Labcorp
Classification: Uncertain significance for Combined oxidative phosphorylation defect type 17. Last evaluated: 2024-11-03. Review status: criteria provided, single submitter. Criteria: Invitae Variant Classification Sherloc (09022015). Collection method: clinical testing. Allele origin: germline.
Comment: This sequence change replaces serine, which is neutral and polar, with proline, which is neutral and non-polar, at codon 347 of the ELAC2 protein (p.Ser347Pro). This variant is not present in population databases (gnomAD no frequency). This variant has not been reported in the literature in individuals affected with ELAC2-related conditions. ClinVar contains an entry for this variant (Variation ID: 1971134). Invitae Evidence Modeling of protein sequence and biophysical properties (such as structural, functional, and spatial information, amino acid conservation, physicochemical variation, residue mobility, and thermodynamic stability) indicates that this missense variant is not expected to disrupt ELAC2 protein function with a negative predictive value of 80%. In summary, the available evidence is currently insufficient to determine the role of this variant in disease. Therefore, it has been classified as a Variant of Uncertain Significance.

NM_018127.7(ELAC2):c.1039T>C (p.Ser347Pro)

Gene: ELAC2 (elaC ribonuclease Z 2; minus strand). Cytogenetic location: 17p12.
Variant type: single nucleotide variant.
Coding change: c.1039T>C on transcript NM_018127.7 (MANE Select); coding-DNA position 1039, T replaced by C.
Protein change: p.Ser347Pro; replaces serine 347 with proline.
Molecular consequence: missense variant.
Genome position (GRCh38, 1-based): chr17:13,003,519, A>G on the plus strand (T>C on the coding strand, the complement: ELAC2 is on the minus strand). VCF-style: chr17-13003519-A-G. GRCh37 (hg19) VCF-style: chr17-12906836-A-G.
Other names: c.919T>C, p.Ser307Pro (NM_001165962.2); c.1039T>C, p.Ser347Pro (NM_173717.2); short protein forms S347P, S307P.
Identifiers: ClinVar variation 1971134 (VCV001971134.5), dbSNP rs2040939056, ClinGen allele CA398225825.
Genomic context (GRCh38, chr17:13,003,519, plus strand): 5'-CGCTGGGCTGGGCTCCATACCTCTCCATCCACTGCTGGTACCTGCTGTCCACAAGCACAG[A>G]TGCTGGGGCCATGTGAACCACCAAGGCCACGGGGGCATCTGCCTTTCCTTGGTACCTGGG-3'
Protein context (NP_060597.4, residues 337-357): VALVVHMAPA[Ser347Pro]VLVDSRYQQW